The following is an entry in ClinVar:

ClinVar aggregate classification (germline): Conflicting classifications of pathogenicity. Review status: criteria provided, conflicting classifications (1 of 4 stars). 2 submissions from 2 submitters: Likely pathogenic (1); Uncertain significance (1). Last evaluated 2025-09-12.

Conditions:
Macular dystrophy with or without extraocular features.

Submissions (2):

Women's Health and Genetics/Laboratory Corporation of America, LabCorp
Classification: Uncertain significance. Last evaluated: 2025-09-12. Review status: criteria provided, single submitter. Criteria: LabCorp Variant Classification Summary - May 2015. Collection method: clinical testing. Allele origin: germline.
Comment: Variant summary: AP5Z1 c.1836_1839dupTACG (p.Leu614TyrfsX150) results in a premature termination codon, predicted to cause a truncation of the encoded protein, however, nonsense mediated decay is not expected to occur. The variant was absent in 248494 control chromosomes. c.1836_1839dupTACG has been observed in compound heterozygous individuals affected with Hereditary Spastic Paraplegia (e.g. Carrasco Salas_2022). These data indicate that the variant may be associated with disease. To our knowledge, no experimental evidence demonstrating an impact on protein function has been reported. The following publication has been ascertained in the context of this evaluation (PMID: 33059505). ClinVar contains an entry for this variant (Variation ID: 3777707). Based on the evidence outlined above, the variant was classified as VUS-possibly pathogenic.

Ophthalmic Genetics Group, Institute of Molecular and Clinical Ophthalmology Basel
Classification: Likely pathogenic for Macular dystrophy with or without extraocular features. Last evaluated: 2024-12-17. Review status: criteria provided, single submitter. Criteria: ACMG Guidelines, 2015. Collection method: research. Allele origin: germline. Affected: yes. Observed: 3 variant alleles.
Comment: This frameshift insertion results in a truncated AP5Z1 protein (removing >10% of the transcript), for which loss-of-function is a known mechanism of disease. This variant is not present in gnomAD v2.1.1. Therefore, it was classified as Likely pathogenic based on ACMG criteria: PVS1_strong, PM2_mod.

Literature cited by the submitters: PubMed 33059505 (cited by Women's Health and Genetics/Laboratory Corporation of America, LabCorp); PubMed 40081374 (cited by Ophthalmic Genetics Group, Institute of Molecular and Clinical Ophthalmology Basel).

NM_014855.3(AP5Z1):c.1836_1839dup (p.Leu614fs)

Gene: AP5Z1 (adaptor related protein complex 5 subunit zeta 1; plus strand). Cytogenetic location: 7p22.1.
Variant type: Duplication.
Coding change: c.1836_1839dup on transcript NM_014855.3 (MANE Select); coding-DNA positions 1836 to 1839, 4 bases duplicated (TACG; older notation c.1836_1839dupTACG).
Protein change: p.Leu614fs; shifts the reading frame from leucine 614.
Molecular consequence: frameshift variant. On other transcripts: non-coding transcript variant (1).
Genome position (GRCh38, 1-based): chr7:4,790,489-4,790,492, TACG duplicated; duplicating any 4 consecutive bases within chr7:4,790,488-4,790,492 gives the same sequence; the c. name uses the placement nearest the transcript's 3' end. VCF-style (leftmost placement, unchanged base first): chr7-4790487-T-TGTAC. GRCh37 (hg19) VCF-style: chr7-4830118-T-TGTAC.
Other names: NC_000007.13:g.4830120_4830123dup; NP_055670.1:p.(Leu614TyrfsTer150); c.1368_1371dup, p.Leu458fs (NM_001364858.1); c.1836_1839dupTACG (NM_014855.3); short protein forms L458fs, L614fs.
Identifiers: ClinVar variation 3777707 (VCV003777707.2).